The following is an entry in ClinVar:

ClinVar aggregate classification (germline): Uncertain significance (1 of 4 stars; one submission).

Submission:

Labcorp Genetics (formerly Invitae), Labcorp
Classification: Uncertain significance. Last evaluated: 2025-05-19. Review status: criteria provided, single submitter. Criteria: Invitae Variant Classification Sherloc (09022015). Collection method: clinical testing. Allele origin: germline.
Comment: This sequence change replaces phenylalanine, which is neutral and non-polar, with leucine, which is neutral and non-polar, at codon 1627 of the ADGRV1 protein (p.Phe1627Leu). This variant is not present in population databases (gnomAD no frequency). This variant has not been reported in the literature in individuals affected with ADGRV1-related conditions. Invitae Evidence Modeling of protein sequence and biophysical properties (such as structural, functional, and spatial information, amino acid conservation, physicochemical variation, residue mobility, and thermodynamic stability) indicates that this missense variant is not expected to disrupt ADGRV1 protein function with a negative predictive value of 95%. In summary, the available evidence is currently insufficient to determine the role of this variant in disease. Therefore, it has been classified as a Variant of Uncertain Significance.

NM_032119.4(ADGRV1):c.4881T>G (p.Phe1627Leu)

Gene: ADGRV1 (adhesion G protein-coupled receptor V1; plus strand). Cytogenetic location: 5q14.3.
Variant type: single nucleotide variant.
Coding change: c.4881T>G on transcript NM_032119.4 (MANE Select); coding-DNA position 4881, T replaced by G.
Protein change: p.Phe1627Leu; replaces phenylalanine 1627 with leucine.
Molecular consequence: missense variant. On other transcripts: non-coding transcript variant (1).
Genome position (GRCh38, 1-based): chr5:90,672,674, T>G. VCF-style: chr5-90672674-T-G. GRCh37 (hg19) VCF-style: chr5-89968491-T-G.
Other names: short protein forms F1627L.
Identifiers: ClinVar variation 4713200 (VCV004713200.1).
Genomic context (GRCh38, chr5:90,672,674, plus strand): 5'-TGTTTTTTACACCATTTCACAGATTGAAACTGATGGCATTAATTACCTTGTTGATGACTT[T>G]GCTAATGCCAGTGGAACTATTACATTCCTTCCTTGGCAGAGATCAGAGGTAAACCCTACC-3'
Protein context (NP_115495.3, residues 1617-1637): TDGINYLVDD[Phe1627Leu]ANASGTITFL